The following is an entry in ClinVar:

NM_001330260.2(SCN8A):c.4960A>G (p.Ile1654Val)

Gene: SCN8A (sodium voltage-gated channel alpha subunit 8; plus strand). Cytogenetic location: 12q13.13.
Variant type: single nucleotide variant.
Coding change: c.4960A>G on transcript NM_001330260.2 (MANE Select); coding-DNA position 4960, A replaced by G.
Protein change: p.Ile1654Val; replaces isoleucine 1654 with valine.
Molecular consequence: missense variant.
Genome position (GRCh38, 1-based): chr12:51,806,446, A>G. VCF-style: chr12-51806446-A-G. GRCh37 (hg19) VCF-style: chr12-52200230-A-G.
Other names: c.4837A>G, p.Ile1613Val (NM_001177984.3, NM_001369788.1); c.4960A>G, p.Ile1654Val (NM_014191.4); short protein forms I1613V, I1654V.
Identifiers: ClinVar variation 3635211 (VCV003635211.2).
Genomic context (GRCh38, chr12:51,806,446, plus strand): 5'-GCCAAAGGGATTCGTACCCTGCTCTTTGCCTTAATGATGTCCTTGCCTGCCCTGTTCAAC[A>G]TCGGCCTTCTGCTCTTCCTGGTCATGTTCATCTTCTCCATTTTTGGGATGTCCAATTTTG-3'
Protein context (NP_001317189.1, residues 1644-1664): LMMSLPALFN[Ile1654Val]GLLLFLVMFI

ClinVar aggregate classification (germline): Uncertain significance (1 of 4 stars; one submission).

Conditions:
Early-infantile DEE. Also called: Early infantile epileptic encephalopathy; Ohtahara syndrome; Early infantile epileptic encephalopathy with suppression bursts. Identifiers: Orphanet 1934, MedGen C0393706, MONDO:0800491.

Submission:

Labcorp Genetics (formerly Invitae), Labcorp
Classification: Uncertain significance for Early-infantile DEE. Last evaluated: 2024-12-07. Review status: criteria provided, single submitter. Criteria: Invitae Variant Classification Sherloc (09022015). Collection method: clinical testing. Allele origin: germline.
Comment: This sequence change replaces isoleucine, which is neutral and non-polar, with valine, which is neutral and non-polar, at codon 1654 of the SCN8A protein (p.Ile1654Val). This variant is not present in population databases (gnomAD no frequency). This variant has not been reported in the literature in individuals affected with SCN8A-related conditions. Invitae Evidence Modeling of protein sequence and biophysical properties (such as structural, functional, and spatial information, amino acid conservation, physicochemical variation, residue mobility, and thermodynamic stability) has been performed for this missense variant. However, the output from this modeling did not meet the statistical confidence thresholds required to predict the impact of this variant on SCN8A protein function. In summary, the available evidence is currently insufficient to determine the role of this variant in disease. Therefore, it has been classified as a Variant of Uncertain Significance.